The following is an entry in ClinVar:

NM_025103.4(IFT74):c.1686C>T (p.Phe562=)

Gene: IFT74 (intraflagellar transport 74; plus strand). Cytogenetic location: 9p21.2.
Variant type: single nucleotide variant.
Coding change: c.1686C>T on transcript NM_025103.4 (MANE Select); coding-DNA position 1686, C replaced by T.
Protein change: p.Phe562=; no amino-acid change (phenylalanine 562 retained).
Molecular consequence: synonymous variant. On other transcripts: 3 prime UTR variant (1).
Genome position (GRCh38, 1-based): chr9:27,062,619, C>T. VCF-style: chr9-27062619-C-T. GRCh37 (hg19) VCF-style: chr9-27062617-C-T.
Other names: c.1686C>T, p.Phe562= (NM_001099222.3, NM_001099223.3); c.*622C>T (NM_001349928.2); c.1686C>T (NM_025103.2).
Identifiers: ClinVar variation 1981101 (VCV001981101.5), dbSNP rs1232143979, ClinGen allele CA464151749.

ClinVar aggregate classification (germline): Likely benign. Review status: criteria provided, single submitter (1 of 4 stars). 2 submissions from 2 submitters: Likely benign (1). 1 of the submissions does not count toward it. Last evaluated 2022-10-18.

Conditions:
IFT74-related disorder. Also called: IFT74-related condition; IFT74-Related Disorders.

Allele frequency attached by ClinVar (database versions not stated): TOPMed below 0.00001; gnomAD exomes 0.00001.
gnomAD v4.1: 10 of 1,548,962 alleles (0.00065%); highest among the groups gnomAD compares: Non-Finnish European, 0.0008%; no homozygotes.

Submissions (2):

Labcorp Genetics (formerly Invitae), Labcorp
Classification: Likely benign. Last evaluated: 2022-10-18. Review status: criteria provided, single submitter. Criteria: Invitae Variant Classification Sherloc (09022015). Collection method: clinical testing. Allele origin: germline.

PreventionGenetics, part of Exact Sciences
Classification: Likely benign for IFT74-related condition. Last evaluated: 2021-03-02. Review status: no assertion criteria provided. Collection method: clinical testing. Allele origin: germline. Not counted in ClinVar's aggregate classification.
Comment: This variant is classified as likely benign based on ACMG/AMP sequence variant interpretation guidelines (Richards et al. 2015 PMID: 25741868, with internal and published modifications).